The following is an entry in ClinVar:

ClinVar aggregate classification (germline): Benign/Likely benign. Review status: criteria provided, multiple submitters, no conflicts (2 of 4 stars). 7 submissions from 7 submitters: Benign (3); Likely benign (3). 1 of the submissions does not count toward it. Last evaluated 2026-07-01.

Conditions:
Inborn genetic diseases. Identifiers: MedGen C0950123, MeSH D030342.
RAI1-related disorder. Also called: RAI1-related condition.

Allele frequency attached by ClinVar (database versions not stated): gnomAD exomes 0.00039 and 0.00113; ExAC 0.00144; gnomAD 0.00423 and 0.00451; TOPMed 0.00490; 1000 Genomes Project 0.00599; ESP Exome Variant Server 0.00638; 1000 Genomes Project 30x 0.00656.
gnomAD v4.1: 1,242 of 1,613,280 alleles (0.077%); highest among the groups gnomAD compares: African/African-American, 1.5%; 4 homozygotes.

Submissions (7):

CeGaT Center for Human Genetics Tuebingen
Classification: Likely benign. Last evaluated: 2026-07-01. Review status: criteria provided, single submitter. Criteria: CeGaT Center For Human Genetics Tuebingen Variant Classification Criteria Version 2. Collection method: clinical testing. Allele origin: germline. Affected: yes. Observed: 2 variant alleles.
Comment: RAI1: BP4, BP7, BS1

Labcorp Genetics (formerly Invitae), Labcorp
Classification: Benign. Last evaluated: 2026-02-03. Review status: criteria provided, single submitter. Criteria: Invitae Variant Classification Sherloc (09022015). Collection method: clinical testing. Allele origin: germline.

Blueprint Genetics
Classification: Benign. Last evaluated: 2024-08-30. Review status: criteria provided, single submitter. Criteria: ACMG Guidelines, 2015. Collection method: clinical testing. Allele origin: germline.

GeneDx
Classification: Likely benign. Last evaluated: 2021-01-22. Review status: criteria provided, single submitter. Criteria: GeneDx Variant Classification Process June 2021. Collection method: clinical testing. Allele origin: germline. Affected: yes.

Ambry Genetics
Classification: Benign for Inborn genetic diseases. Last evaluated: 2017-01-18. Review status: criteria provided, single submitter. Criteria: Ambry Variant Classification Scheme 2023. Collection method: clinical testing. Allele origin: germline.

Breakthrough Genomics
Classification: Likely benign. Review status: criteria provided, single submitter. Criteria: ACMG Guidelines, 2015. Collection method: not provided. Allele origin: germline. Inheritance: Autosomal dominant inheritance. Affected: yes.

PreventionGenetics, part of Exact Sciences
Classification: Benign for RAI1-related condition. Last evaluated: 2019-05-08. Review status: no assertion criteria provided. Collection method: clinical testing. Allele origin: germline. Not counted in ClinVar's aggregate classification.
Comment: This variant is classified as benign based on ACMG/AMP sequence variant interpretation guidelines (Richards et al. 2015 PMID: 25741868, with internal and published modifications).

NM_030665.4(RAI1):c.1326G>A (p.Val442=)

Gene: RAI1 (retinoic acid induced 1; plus strand). Cytogenetic location: 17p11.2.
Variant type: single nucleotide variant.
Coding change: c.1326G>A on transcript NM_030665.4 (MANE Select); coding-DNA position 1326, G replaced by A.
Protein change: p.Val442=; no amino-acid change (valine 442 retained).
Molecular consequence: synonymous variant.
Genome position (GRCh38, 1-based): chr17:17,794,274, G>A. VCF-style: chr17-17794274-G-A. GRCh37 (hg19) VCF-style: chr17-17697588-G-A.
Identifiers: ClinVar variation 588622 (VCV000588622.19), dbSNP rs148308622, ClinGen allele CA8418312.